The following is an entry in ClinVar:

NM_006412.4(AGPAT2):c.274T>C (p.Cys92Arg)

Gene: AGPAT2 (1-acylglycerol-3-phosphate O-acyltransferase 2; minus strand). Cytogenetic location: 9q34.3.
Variant type: single nucleotide variant.
Coding change: c.274T>C on transcript NM_006412.4 (MANE Select); coding-DNA position 274, T replaced by C.
Protein change: p.Cys92Arg; replaces cysteine 92 with arginine.
Molecular consequence: missense variant.
Genome position (GRCh38, 1-based): chr9:136,677,465, A>G on the plus strand (T>C on the coding strand, the complement: AGPAT2 is on the minus strand). VCF-style: chr9-136677465-A-G. GRCh37 (hg19) VCF-style: chr9-139571917-A-G.
Other names: c.274T>C, p.Cys92Arg (NM_001012727.2); short protein forms C92R.
Identifiers: ClinVar variation 549535 (VCV000549535.2), dbSNP rs1554754454, ClinGen allele CA375583730.

ClinVar aggregate classification (germline): Uncertain significance (1 of 4 stars; one submission).

Conditions:
Monogenic diabetes. Identifiers: Orphanet 183625, MedGen C3888631, MONDO:0015967.

Allele frequency attached by ClinVar (database versions not stated): gnomAD exomes below 0.00001.
gnomAD v4.1: 1 of 1,613,120 alleles (0.000062%); highest among the groups gnomAD compares: Non-Finnish European, 0.000085%; no homozygotes.

Submission:

Personalized Diabetes Medicine Program, University of Maryland School of Medicine
Classification: Uncertain significance for Monogenic diabetes. Last evaluated: 2017-10-06. Review status: criteria provided, single submitter. Criteria: ACMG Guidelines, 2015. Collection method: research. Allele origin: unknown. Observed: 1 variant allele, 1 heterozygote. Study: Personalized Diabetes Medicine Program.
Comment: ACMG Criteria:PP3 (8 predictors), PM2